The following is an entry in ClinVar:

NM_015978.3(TNNI3K):c.1444T>C (p.Cys482Arg)

Genes: FPGT-TNNI3K (FPGT-TNNI3K readthrough; plus strand), TNNI3K (TNNI3 interacting kinase; plus strand). Cytogenetic location: 1p31.1.
Variant type: single nucleotide variant.
Coding change: c.1444T>C on transcript NM_015978.3 (MANE Select); coding-DNA position 1444, T replaced by C.
Protein change: p.Cys482Arg; replaces cysteine 482 with arginine.
Molecular consequence: missense variant.
Genome position (GRCh38, 1-based): chr1:74,369,236, T>C. VCF-style: chr1-74369236-T-C. GRCh37 (hg19) VCF-style: chr1-74834920-T-C.
Other names: c.1747T>C, p.Cys583Arg (NM_001112808.3, NM_001199327.2); short protein forms C482R, C583R.
Identifiers: ClinVar variation 3692115 (VCV003692115.2).
Genomic context (GRCh38, chr1:74,369,236, plus strand): 5'-GTGTTTATTTATTTATTTTAAACAATTGTAGGTTCTTTTGGGAAAGTATATAAAGGACGA[T>C]GCAGAAATAAAATAGTGGCTATAAAACGGTAAGCAAGCAAATGAAAAAATTTAACATCCA-3'
Protein context (NP_057062.1, residues 472-492): GSFGKVYKGR[Cys482Arg]RNKIVAIKRY

ClinVar aggregate classification (germline): Uncertain significance (1 of 4 stars; one submission).

Submission:

Labcorp Genetics (formerly Invitae), Labcorp
Classification: Uncertain significance. Last evaluated: 2024-06-24. Review status: criteria provided, single submitter. Criteria: Invitae Variant Classification Sherloc (09022015). Collection method: clinical testing. Allele origin: germline.
Comment: This sequence change replaces cysteine, which is neutral and slightly polar, with arginine, which is basic and polar, at codon 482 of the TNNI3K protein (p.Cys482Arg). This variant is not present in population databases (gnomAD no frequency). This variant has not been reported in the literature in individuals affected with TNNI3K-related conditions. Advanced modeling of protein sequence and biophysical properties (such as structural, functional, and spatial information, amino acid conservation, physicochemical variation, residue mobility, and thermodynamic stability) performed at Invitae indicates that this missense variant is not expected to disrupt TNNI3K protein function with a negative predictive value of 80%. In summary, the available evidence is currently insufficient to determine the role of this variant in disease. Therefore, it has been classified as a Variant of Uncertain Significance.